The following is an entry in ClinVar:

NM_007186.6(CEP250):c.49C>A (p.Gln17Lys)

Gene: CEP250 (centrosomal protein 250; plus strand). Cytogenetic location: 20q11.22.
Variant type: single nucleotide variant.
Coding change: c.49C>A on transcript NM_007186.6 (MANE Select); coding-DNA position 49, C replaced by A.
Protein change: p.Gln17Lys; replaces glutamine 17 with lysine.
Molecular consequence: missense variant. On other transcripts: 5 prime UTR variant (1).
Genome position (GRCh38, 1-based): chr20:35,462,416, C>A. VCF-style: chr20-35462416-C-A. GRCh37 (hg19) VCF-style: chr20-34050241-C-A.
Other names: c.-1851C>A (NM_001318219.1); c.49C>A (NM_007186.3); short protein forms Q17K.
Identifiers: ClinVar variation 1013688 (VCV001013688.7), dbSNP rs141393541, ClinGen allele CA9832501.
Genomic context (GRCh38, chr20:35,462,416, plus strand): 5'-CCTGGTGCCCTCATGGAGACAAGAAGCCCTGGGTTGAACAACATGAAGCCCCAGTCACTG[C>A]AGCTGGTACTGGAAGAGCAGGTGCTGGCACTACAGCAGCAGATGGCAGAGAATCAGGCAG-3'
Protein context (NP_009117.2, residues 7-27): GLNNMKPQSL[Gln17Lys]LVLEEQVLAL

ClinVar aggregate classification (germline): Uncertain significance. Review status: criteria provided, multiple submitters, no conflicts (2 of 4 stars). 2 submissions from 2 submitters: Uncertain significance (2). Last evaluated 2025-05-05.

Allele frequency attached by ClinVar (database versions not stated): gnomAD exomes 0.00002 and 0.00008; gnomAD 0.00028 and 0.00023; ExAC 0.00022; TOPMed 0.00037; ESP Exome Variant Server 0.00054.
gnomAD v4.1: 67 of 1,600,206 alleles (0.0042%); highest among the groups gnomAD compares: African/African-American, 0.082%; no homozygotes.

Submissions (2):

Ambry Genetics
Classification: Uncertain significance. Last evaluated: 2025-05-05. Review status: criteria provided, single submitter. Criteria: Ambry Variant Classification Scheme 2023. Collection method: clinical testing. Allele origin: germline.

Labcorp Genetics (formerly Invitae), Labcorp
Classification: Uncertain significance. Last evaluated: 2023-07-17. Review status: criteria provided, single submitter. Criteria: Invitae Variant Classification Sherloc (09022015). Collection method: clinical testing. Allele origin: germline.
Comment: This sequence change replaces glutamine, which is neutral and polar, with lysine, which is basic and polar, at codon 17 of the CEP250 protein (p.Gln17Lys). This variant is present in population databases (rs141393541, gnomAD 0.1%). This variant has not been reported in the literature in individuals affected with CEP250-related conditions. ClinVar contains an entry for this variant (Variation ID: 1013688). An algorithm developed to predict the effect of missense changes on protein structure and function (PolyPhen-2) suggests that this variant¬†is likely to be tolerated. In summary, the available evidence is currently insufficient to determine the role of this variant in disease. Therefore, it has been classified as a Variant of Uncertain Significance.